The following is an entry in ClinVar:

NM_001375567.1(FOCAD):c.4714G>A (p.Ala1572Thr)

Gene: FOCAD (focadhesin; plus strand). Cytogenetic location: 9p21.3.
Variant type: single nucleotide variant.
Coding change: c.4714G>A on transcript NM_001375567.1 (MANE Select); coding-DNA position 4714, G replaced by A.
Protein change: p.Ala1572Thr; replaces alanine 1572 with threonine.
Molecular consequence: missense variant.
Genome position (GRCh38, 1-based): chr9:20,982,432, G>A. VCF-style: chr9-20982432-G-A. GRCh37 (hg19) VCF-style: chr9-20982431-G-A.
Other names: c.4609G>A, p.Ala1537Thr (NM_001375568.1, NM_001375570.1); c.4714G>A, p.Ala1572Thr (NM_017794.5); short protein forms A1572T, A1537T.
Identifiers: ClinVar variation 3631439 (VCV003631439.2).

ClinVar aggregate classification (germline): Uncertain significance (1 of 4 stars; one submission).

gnomAD v4.1: 31 of 1,613,116 alleles (0.0019%); highest among the groups gnomAD compares: East Asian, 0.033%; no homozygotes.

Submission:

Labcorp Genetics (formerly Invitae), Labcorp
Classification: Uncertain significance. Last evaluated: 2024-08-01. Review status: criteria provided, single submitter. Criteria: Invitae Variant Classification Sherloc (09022015). Collection method: clinical testing. Allele origin: germline.
Comment: This sequence change replaces alanine, which is neutral and non-polar, with threonine, which is neutral and polar, at codon 1572 of the FOCAD protein (p.Ala1572Thr). This variant is present in population databases (rs753108162, gnomAD 0.07%), and has an allele count higher than expected for a pathogenic variant. This variant has not been reported in the literature in individuals affected with FOCAD-related conditions. An algorithm developed to predict the effect of missense changes on protein structure and function outputs the following: PolyPhen-2: "Not Available". The threonine amino acid residue is found in multiple mammalian species, which suggests that this missense change does not adversely affect protein function. In summary, the available evidence is currently insufficient to determine the role of this variant in disease. Therefore, it has been classified as a Variant of Uncertain Significance.